The following is an entry in ClinVar:

ClinVar aggregate classification (germline): Likely benign (1 of 4 stars; one submission).

Submission:

CeGaT Center for Human Genetics Tuebingen
Classification: Likely benign. Last evaluated: 2026-02-01. Review status: criteria provided, single submitter. Criteria: CeGaT Center For Human Genetics Tuebingen Variant Classification Criteria Version 2. Collection method: clinical testing. Allele origin: germline. Affected: yes. Observed: 1 variant allele.
Comment: SPG11: PM2:Supporting, BP4, BP7

NM_025137.4(SPG11):c.375T>C (p.Cys125=)

Gene: SPG11 (SPG11 vesicle trafficking associated, spatacsin; minus strand). Cytogenetic location: 15q21.1.
Variant type: single nucleotide variant.
Coding change: c.375T>C on transcript NM_025137.4 (MANE Select); coding-DNA position 375, T replaced by C.
Protein change: p.Cys125=; no amino-acid change (cysteine 125 retained).
Molecular consequence: synonymous variant.
Genome position (GRCh38, 1-based): chr15:44,660,499, A>G on the plus strand (T>C on the coding strand, the complement: SPG11 is on the minus strand). VCF-style: chr15-44660499-A-G. GRCh37 (hg19) VCF-style: chr15-44952697-A-G.
Other names: c.375T>C, p.Cys125= (NM_001160227.2, NM_001411132.1).
Identifiers: ClinVar variation 4823371 (VCV004823371.4).
Genomic context (GRCh38, chr15:44,660,499, plus strand): 5'-TTGATCGTCAATGAGCTTTTGCAATGCCTCCCTACTACAGCTATACAAAATGGTTGCATC[A>G]CATCTTCCATCTTTCAAATTAAATTCATAGATAAGCAGTTCATAATTTTCACCAAGAGCG-3'
Protein context (NP_079413.3, residues 115-135): IYEFNLKDGR[Cys125=]DATILYSCSR